The following is an entry in ClinVar:

ClinVar aggregate classification (germline): Uncertain significance (1 of 4 stars; one submission).

Conditions:
Autosomal dominant Parkinson disease 8. Also called: LRRK2-Related Parkinson Disease; Parkinson disease 8; Parkinson disease 8, susceptibility to. Identifiers: Orphanet 411602, MedGen C1846862, MONDO:0011764, OMIM 607060.

Allele frequency attached by ClinVar (database versions not stated): gnomAD exomes below 0.00001 and 0.00001; gnomAD 0.00001; ExAC 0.00002; 1000 Genomes Project 30x 0.00016; 1000 Genomes Project 0.00020.
gnomAD v4.1: 22 of 1,613,902 alleles (0.0014%); highest among the groups gnomAD compares: East Asian, 0.049%; no homozygotes.

Submission:

Labcorp Genetics (formerly Invitae), Labcorp
Classification: Uncertain significance for Autosomal dominant Parkinson disease 8. Last evaluated: 2023-06-06. Review status: criteria provided, single submitter. Criteria: Invitae Variant Classification Sherloc (09022015). Collection method: clinical testing. Allele origin: germline.
Comment: This sequence change falls in intron 24 of the LRRK2 gene. It does not directly change the encoded amino acid sequence of the LRRK2 protein. It affects a nucleotide within the consensus splice site. This variant has not been reported in the literature in individuals affected with LRRK2-related conditions. This variant is present in population databases (rs201853545, gnomAD 0.02%). In summary, the available evidence is currently insufficient to determine the role of this variant in disease. Therefore, it has been classified as a Variant of Uncertain Significance. Variants that disrupt the consensus splice site are a relatively common cause of aberrant splicing (PMID: 17576681, 9536098). Algorithms developed to predict the effect of sequence changes on RNA splicing suggest that this variant may create or strengthen a splice site. ClinVar contains an entry for this variant (Variation ID: 1414245).

Literature cited by the submitters: PubMed 17576681; PubMed 9536098.

NM_198578.4(LRRK2):c.3347+6A>T

Gene: LRRK2 (leucine rich repeat kinase 2; plus strand). Cytogenetic location: 12q12.
Variant type: single nucleotide variant.
Coding change: c.3347+6A>T on transcript NM_198578.4 (MANE Select); 6 bases into the intron after coding-DNA position 3347, A replaced by T.
Molecular consequence: intron variant.
Genome position (GRCh38, 1-based): chr12:40,298,499, A>T. VCF-style: chr12-40298499-A-T. GRCh37 (hg19) VCF-style: chr12-40692301-A-T.
Identifiers: ClinVar variation 1414245 (VCV001414245.6), dbSNP rs201853545, ClinGen allele CA6513871.